The following is an entry in ClinVar:

ClinVar aggregate classification (germline): Uncertain significance. Review status: criteria provided, multiple submitters, no conflicts (2 of 4 stars). 2 submissions from 2 submitters: Uncertain significance (2). Last evaluated 2025-04-12.

Conditions:
Inborn genetic diseases. Identifiers: MedGen C0950123, MeSH D030342.

Allele frequency attached by ClinVar (database versions not stated): gnomAD 0.00009; gnomAD exomes 0.00003 and 0.00004; TOPMed 0.00013; ESP Exome Variant Server 0.00031; ExAC 0.00005.

Submissions (2):

Ambry Genetics
Classification: Uncertain significance for Inborn genetic diseases. Last evaluated: 2025-04-12. Review status: criteria provided, single submitter. Criteria: Ambry Variant Classification Scheme 2023. Collection method: clinical testing. Allele origin: germline.

Labcorp Genetics (formerly Invitae), Labcorp
Classification: Uncertain significance. Last evaluated: 2022-10-24. Review status: criteria provided, single submitter. Criteria: Invitae Variant Classification Sherloc (09022015). Collection method: clinical testing. Allele origin: germline.
Comment: In summary, the available evidence is currently insufficient to determine the role of this variant in disease. Therefore, it has been classified as a Variant of Uncertain Significance. Algorithms developed to predict the effect of missense changes on protein structure and function are either unavailable or do not agree on the potential impact of this missense change (SIFT: "Deleterious"; PolyPhen-2: "Benign"; Align-GVGD: "Class C0"). ClinVar contains an entry for this variant (Variation ID: 950158). This variant has not been reported in the literature in individuals affected with PEX11B-related conditions. This variant is present in population databases (rs150236235, gnomAD 0.04%). This sequence change replaces arginine, which is basic and polar, with cysteine, which is neutral and slightly polar, at codon 113 of the PEX11B protein (p.Arg113Cys).

NM_003846.3(PEX11B):c.337C>T (p.Arg113Cys)

Gene: PEX11B (peroxisomal biogenesis factor 11 beta; minus strand). Cytogenetic location: 1q21.1.
Variant type: single nucleotide variant.
Coding change: c.337C>T on transcript NM_003846.3 (MANE Select); coding-DNA position 337, C replaced by T.
Protein change: p.Arg113Cys; replaces arginine 113 with cysteine.
Molecular consequence: missense variant. On other transcripts: non-coding transcript variant (3).
Genome position (GRCh38, 1-based): chr1:145,916,854, G>A on the plus strand (C>T on the coding strand, the complement: PEX11B is on the minus strand). VCF-style: chr1-145916854-G-A. GRCh37 (hg19) VCF-style: chr1-145518235-C-T.
Other names: c.295C>T, p.Arg99Cys (NM_001184795.1); short protein forms R99C, R113C.
Identifiers: ClinVar variation 950158 (VCV000950158.6), dbSNP rs150236235, ClinGen allele CA1055571.